The following is an entry in ClinVar:

NM_001267550.2(TTN):c.71045_71046del (p.Asn23681_Phe23682insTer)

Genes: TTN (titin; minus strand), TTN-AS1 (TTN antisense RNA 1; plus strand). Cytogenetic location: 2q31.2.
Variant type: Deletion.
Coding change: c.71045_71046del on transcript NM_001267550.2 (MANE Select); coding-DNA positions 71045 to 71046, 2 bases deleted (TT; older notation c.71045_71046delTT).
Protein change: p.Asn23681_Phe23682insTer.
Molecular consequence: nonsense.
Genome position (GRCh38, 1-based): chr2:178,575,086-178,575,087, AA deleted on the plus strand (TT on the coding strand, the reverse complement: TTN is on the minus strand); deleting any 2 consecutive bases within chr2:178,575,086-178,575,089 gives the same sequence; the c. name uses the placement nearest the transcript's 3' end. VCF-style (leftmost placement, unchanged base first): chr2-178575085-CAA-C. GRCh37 (hg19) VCF-style: chr2-179439812-CAA-C.
Other names: c.66122_66123del, p.Asn22040_Phe22041insTer (NM_001256850.1); c.43850_43851del, p.Asn14616_Phe14617insTer (NM_003319.4); c.63341_63342del, p.Asn21113_Phe21114insTer (NM_133378.4); c.44225_44226del, p.Asn14741_Phe14742insTer (NM_133432.3); c.44426_44427del, p.Asn14808_Phe14809insTer (NM_133437.4).
Identifiers: ClinVar variation 1067860 (VCV001067860.9), dbSNP rs2154171990, ClinGen allele CA2499215379.

ClinVar aggregate classification (germline): Likely pathogenic (1 of 4 stars; one submission).

Conditions:
Dilated cardiomyopathy 1G (CMD1G). Identifiers: Orphanet 154, MedGen C1858763, MONDO:0011400, OMIM 604145.
Autosomal recessive limb-girdle muscular dystrophy type 2J (LGMDR10). Also called: Limb-girdle muscular dystrophy, type 2J; MUSCULAR DYSTROPHY, LIMB-GIRDLE, AUTOSOMAL RECESSIVE 10. Identifiers: Orphanet 140922, MedGen C1837342, MONDO:0012127, OMIM 608807.

Submission:

Labcorp Genetics (formerly Invitae), Labcorp
Classification: Likely pathogenic for Dilated cardiomyopathy 1G; Autosomal recessive limb-girdle muscular dystrophy type 2J. Last evaluated: 2020-06-12. Review status: criteria provided, single submitter. Criteria: Invitae Variant Classification Sherloc (09022015). Collection method: clinical testing. Allele origin: germline.
Comment: In summary, the currently available evidence indicates that the variant is pathogenic, but additional data are needed to prove that conclusively. Therefore, this variant has been classified as Likely Pathogenic. This variant is located in the A band of TTN (PMID: 25589632). Truncating variants in this region are significantly overrepresented in patients affected with dilated cardiomyopathy (PMID: 25589632). Truncating variants in this region have also been reported in individuals affected with autosomal recessive centronuclear myopathy (PMID: 23975875). This variant has not been reported in the literature in individuals with TTN-related conditions. This variant is not present in population databases (ExAC no frequency). This sequence change results in a premature translational stop signal in the TTN gene (p.Phe23682*). While this is not anticipated to result in nonsense mediated decay, it is expected to create a truncated TTN protein.

Literature cited by the submitters: PubMed 25589632; PubMed 23975875.